The following is an entry in ClinVar:

NM_025099.6(CTC1):c.976C>G (p.Leu326Val)

Gene: CTC1 (CST telomere replication complex component 1; minus strand). Cytogenetic location: 17p13.1.
Variant type: single nucleotide variant.
Coding change: c.976C>G on transcript NM_025099.6 (MANE Select); coding-DNA position 976, C replaced by G.
Protein change: p.Leu326Val; replaces leucine 326 with valine.
Molecular consequence: missense variant. On other transcripts: non-coding transcript variant (1).
Genome position (GRCh38, 1-based): chr17:8,236,159, G>C on the plus strand (C>G on the coding strand, the complement: CTC1 is on the minus strand). VCF-style: chr17-8236159-G-C. GRCh37 (hg19) VCF-style: chr17-8139477-G-C.
Other names: c.976C>G, p.Leu326Val (NM_001411067.1); short protein forms L326V.
Identifiers: ClinVar variation 3629208 (VCV003629208.2).

ClinVar aggregate classification (germline): Uncertain significance (1 of 4 stars; one submission).

Conditions:
Dyskeratosis congenita. Identifiers: Orphanet 1775, MedGen C0265965, MONDO:0015780.

Submission:

Labcorp Genetics (formerly Invitae), Labcorp
Classification: Uncertain significance for Dyskeratosis congenita. Last evaluated: 2025-10-01. Review status: criteria provided, single submitter. Criteria: Invitae Variant Classification Sherloc (09022015). Collection method: clinical testing. Allele origin: germline.
Comment: This sequence change replaces leucine, which is neutral and non-polar, with valine, which is neutral and non-polar, at codon 326 of the CTC1 protein (p.Leu326Val). This variant is not present in population databases (gnomAD no frequency). This variant has not been reported in the literature in individuals affected with CTC1-related conditions. ClinVar contains an entry for this variant (Variation ID: 3629208). An algorithm developed to predict the effect of missense changes on protein structure and function outputs the following: PolyPhen-2: "Benign". The valine amino acid residue is found in multiple mammalian species, which suggests that this missense change does not adversely affect protein function. In summary, the available evidence is currently insufficient to determine the role of this variant in disease. Therefore, it has been classified as a Variant of Uncertain Significance.